The following is an entry in ClinVar:

ClinVar aggregate classification (germline): Uncertain significance. Review status: criteria provided, multiple submitters, no conflicts (2 of 4 stars). 4 submissions from 4 submitters: Uncertain significance (4). Last evaluated 2025-02-12.

Conditions:
Cardiovascular phenotype. Identifiers: MedGen CN230736.
Dilated cardiomyopathy 1II (CMD1II). Identifiers: Orphanet 154, MedGen C3554649, MONDO:0014073, OMIM 615184.
Cardiomyopathy (CMYO). Also called: Cardiomyopathies. Identifiers: Orphanet 167848, MedGen C0878544, MONDO:0004994, HP:0001638. Inheritance: Various modes of inheritance.

Allele frequency attached by ClinVar (database versions not stated): ExAC 0.00001; gnomAD exomes 0.00001; TOPMed 0.00002; ESP Exome Variant Server 0.00008.

Submissions (4):

Ambry Genetics
Classification: Uncertain significance for Cardiovascular phenotype. Last evaluated: 2025-02-12. Review status: criteria provided, single submitter. Criteria: Ambry Variant Classification Scheme 2023. Collection method: clinical testing. Allele origin: germline.
Comment: The p.S136T variant (also known as c.406T>A), located in coding exon 3 of the CRYAB gene, results from a T to A substitution at nucleotide position 406. The serine at codon 136 is replaced by threonine, an amino acid with similar properties. This variant was reported in individual(s) with features consistent with dilated cardiomyopathy (DCM) (Gaertner A et al. Hum Mutat, 2020 Nov;41:1931-1943). This amino acid position is well conserved in available vertebrate species. In addition, the in silico prediction for this alteration is inconclusive. Based on the available evidence, the clinical significance of this variant remains unclear.

Labcorp Genetics (formerly Invitae), Labcorp
Classification: Uncertain significance for Dilated cardiomyopathy 1II. Last evaluated: 2023-10-18. Review status: criteria provided, single submitter. Criteria: Invitae Variant Classification Sherloc (09022015). Collection method: clinical testing. Allele origin: germline.
Comment: This sequence change replaces serine, which is neutral and polar, with threonine, which is neutral and polar, at codon 136 of the CRYAB protein (p.Ser136Thr). This variant is present in population databases (rs371079119, gnomAD 0.002%). This variant has not been reported in the literature in individuals affected with CRYAB-related conditions. ClinVar contains an entry for this variant (Variation ID: 477734). An algorithm developed to predict the effect of missense changes on protein structure and function (PolyPhen-2) suggests that this variant¬†is likely to be tolerated. In summary, the available evidence is currently insufficient to determine the role of this variant in disease. Therefore, it has been classified as a Variant of Uncertain Significance.

Revvity Omics, Revvity
Classification: Uncertain significance. Last evaluated: 2021-07-21. Review status: criteria provided, single submitter. Criteria: ACMG Guidelines, 2015. Collection method: clinical testing. Allele origin: germline.

CHEO Genetics Diagnostic Laboratory, Children's Hospital of Eastern Ontario
Classification: Uncertain significance for Cardiomyopathy. Last evaluated: 2017-09-07. Review status: criteria provided, single submitter. Criteria: ACMG Guidelines, 2015. Collection method: clinical testing. Allele origin: germline. Study: Canadian Open Genetics Repository.

Literature cited by the submitters: PubMed 32840935 (cited by Ambry Genetics).

NM_001289808.2(CRYAB):c.406T>A (p.Ser136Thr)

Gene: CRYAB (crystallin alpha B; minus strand). Cytogenetic location: 11q23.1.
Variant type: single nucleotide variant.
Coding change: c.406T>A on transcript NM_001289808.2 (MANE Select); coding-DNA position 406, T replaced by A.
Protein change: p.Ser136Thr; replaces serine 136 with threonine.
Molecular consequence: missense variant.
Genome position (GRCh38, 1-based): chr11:111,908,886, A>T on the plus strand (T>A on the coding strand, the complement: CRYAB is on the minus strand). VCF-style: chr11-111908886-A-T. GRCh37 (hg19) VCF-style: chr11-111779610-A-T.
Other names: c.406T>A, p.Ser136Thr (NM_001289807.1, NM_001368245.1, NM_001885.3); c.205T>A, p.Ser69Thr (NM_001330379.1, NM_001368246.1); short protein forms S136T, S69T.
Identifiers: ClinVar variation 477734 (VCV000477734.12), dbSNP rs371079119, ClinGen allele CA6275465.